The following is an entry in ClinVar:

NM_000260.4(MYO7A):c.586C>T (p.Leu196=)

Gene: MYO7A (myosin VIIA; plus strand). Cytogenetic location: 11q13.5.
Variant type: single nucleotide variant.
Coding change: c.586C>T on transcript NM_000260.4 (MANE Select); coding-DNA position 586, C replaced by T.
Protein change: p.Leu196=; no amino-acid change (leucine 196 retained).
Molecular consequence: synonymous variant.
Genome position (GRCh38, 1-based): chr11:77,156,775, C>T. VCF-style: chr11-77156775-C-T. GRCh37 (hg19) VCF-style: chr11-76867821-C-T.
Other names: c.586C>T (NM_000260.3); c.586C>T, p.Leu196= (NM_001127180.2); c.553C>T, p.Leu185= (NM_001369365.1).
Identifiers: ClinVar variation 1080475 (VCV001080475.10), dbSNP rs1464094224, ClinGen allele CA475887144.

ClinVar aggregate classification (germline): Likely benign. Review status: criteria provided, single submitter (1 of 4 stars). 2 submissions from 2 submitters: Likely benign (1). 1 of the submissions does not count toward it. Last evaluated 2023-02-02.

Conditions:
MYO7A-related disorder. Also called: MYO7A-related disorders.

Allele frequency attached by ClinVar (database versions not stated): TOPMed below 0.00001; gnomAD exomes below 0.00001.
gnomAD v4.1: 1 of 1,614,016 alleles (0.000062%); highest among the groups gnomAD compares: Non-Finnish European, 0.000085%; no homozygotes.

Submissions (2):

Labcorp Genetics (formerly Invitae), Labcorp
Classification: Likely benign. Last evaluated: 2023-02-02. Review status: criteria provided, single submitter. Criteria: Invitae Variant Classification Sherloc (09022015). Collection method: clinical testing. Allele origin: germline.

PreventionGenetics, part of Exact Sciences
Classification: Likely benign for MYO7A-related condition. Last evaluated: 2019-08-02. Review status: no assertion criteria provided. Collection method: clinical testing. Allele origin: germline. Not counted in ClinVar's aggregate classification.
Comment: This variant is classified as likely benign based on ACMG/AMP sequence variant interpretation guidelines (Richards et al. 2015 PMID: 25741868, with internal and published modifications).